The following is an entry in ClinVar:

NM_001267550.2(TTN):c.36395_36396del (p.Glu12132fs)

Gene: TTN (titin; minus strand). Cytogenetic location: 2q31.2.
Variant type: Deletion.
Coding change: c.36395_36396del on transcript NM_001267550.2 (MANE Select); coding-DNA positions 36395 to 36396, 2 bases deleted (AA; older notation c.36395_36396delAA).
Protein change: p.Glu12132fs; shifts the reading frame from glutamic acid 12132.
Molecular consequence: frameshift variant. On other transcripts: intron variant (5).
Genome position (GRCh38, 1-based): chr2:178,663,871-178,663,872, TT deleted on the plus strand (AA on the coding strand, the reverse complement: TTN is on the minus strand). VCF-style (leftmost placement, unchanged base first): chr2-178663870-CTT-C. GRCh37 (hg19) VCF-style: chr2-179528597-CTT-C.
Other names: c.13283-21555_13283-21554del (NM_003319.4); c.13859-21555_13859-21554del (NM_133437.4); c.13658-21555_13658-21554del (NM_133432.3); c.31484-817_31484-816del (NM_133378.4); c.34265-817_34265-816del (NM_001256850.1); short protein forms E12132fs.
Identifiers: ClinVar variation 2938330 (VCV002938330.3), dbSNP rs2472930176, ClinGen allele CA2740096195.

ClinVar aggregate classification (germline): Likely pathogenic (1 of 4 stars; one submission).

Conditions:
Dilated cardiomyopathy 1G (CMD1G). Identifiers: Orphanet 154, MedGen C1858763, MONDO:0011400, OMIM 604145.
Autosomal recessive limb-girdle muscular dystrophy type 2J (LGMDR10). Also called: Limb-girdle muscular dystrophy, type 2J; MUSCULAR DYSTROPHY, LIMB-GIRDLE, AUTOSOMAL RECESSIVE 10. Identifiers: Orphanet 140922, MedGen C1837342, MONDO:0012127, OMIM 608807.

Submission:

Labcorp Genetics (formerly Invitae), Labcorp
Classification: Likely pathogenic for Dilated cardiomyopathy 1G; Autosomal recessive limb-girdle muscular dystrophy type 2J. Last evaluated: 2024-10-18. Review status: criteria provided, single submitter. Criteria: Invitae Variant Classification Sherloc (09022015). Collection method: clinical testing. Allele origin: germline.
Comment: This sequence change creates a premature translational stop signal (p.Glu12132Glyfs*9) in the TTN gene. While this is not anticipated to result in nonsense mediated decay, it is expected to create a truncated TTN protein. This variant is not present in population databases (gnomAD no frequency). This variant has not been reported in the literature in individuals affected with TTN-related conditions. Algorithms developed to predict the effect of sequence changes on RNA splicing suggest that this variant may disrupt the consensus splice site. This variant is located in the I band of TTN (PMID: 25589632). Truncating variants in this region have been reported in individuals affected with autosomal recessive centronuclear myopathy (PMID: 23975875, internal data). Truncating variants in this region have also been identified in individuals affected with autosomal dominant dilated cardiomyopathy and/or cardio-related conditions (PMID: 27869827, 32964742, internal data). In summary, the currently available evidence indicates that the variant is pathogenic, but additional data are needed to prove that conclusively. Therefore, this variant has been classified as Likely Pathogenic.

Literature cited by the submitters: PubMed 25589632; PubMed 23975875; PubMed 27869827; PubMed 32964742.